The following is an entry in ClinVar:

ClinVar aggregate classification (germline): Uncertain significance (1 of 4 stars; one submission).

Conditions:
Cholestanol storage disease (CTX). Also called: CTX: Cerebrotendinous xanthomatosis; CEREBRAL CHOLESTERINOSIS; Cerebrotendinous Xanthomatosis. Identifiers: Orphanet 909, MedGen C0238052, MONDO:0008948, OMIM 213700.

Allele frequency attached by ClinVar (database versions not stated): TOPMed below 0.00001; ExAC 0.00001; gnomAD 0.00001; gnomAD exomes 0.00001; ESP Exome Variant Server 0.00008.
gnomAD v4.1: 6 of 1,614,084 alleles (0.00037%); highest among the groups gnomAD compares: Non-Finnish European, 0.00051%; no homozygotes.

Submission:

Labcorp Genetics (formerly Invitae), Labcorp
Classification: Uncertain significance for Cholestanol storage disease. Last evaluated: 2021-09-01. Review status: criteria provided, single submitter. Criteria: Invitae Variant Classification Sherloc (09022015). Collection method: clinical testing. Allele origin: germline.
Comment: This sequence change replaces alanine with proline at codon 295 of the CYP27A1 protein (p.Ala295Pro). The alanine residue is moderately conserved and there is a small physicochemical difference between alanine and proline. This variant is present in population databases (rs371133296, ExAC 0.001%). This variant has not been reported in the literature in individuals affected with CYP27A1-related conditions. Advanced modeling of protein sequence and biophysical properties (such as structural, functional, and spatial information, amino acid conservation, physicochemical variation, residue mobility, and thermodynamic stability) performed at Invitae indicates that this missense variant is not expected to disrupt CYP27A1 protein function. In summary, the available evidence is currently insufficient to determine the role of this variant in disease. Therefore, it has been classified as a Variant of Uncertain Significance.

NM_000784.4(CYP27A1):c.883G>C (p.Ala295Pro)

Gene: CYP27A1 (cytochrome P450 family 27 subfamily A member 1; plus strand). Cytogenetic location: 2q35.
Variant type: single nucleotide variant.
Coding change: c.883G>C on transcript NM_000784.4 (MANE Select); coding-DNA position 883, G replaced by C.
Protein change: p.Ala295Pro; replaces alanine 295 with proline.
Molecular consequence: missense variant.
Genome position (GRCh38, 1-based): chr2:218,812,962, G>C. VCF-style: chr2-218812962-G-C. GRCh37 (hg19) VCF-style: chr2-219677685-G-C.
Other names: short protein forms A295P.
Identifiers: ClinVar variation 1422185 (VCV001422185.5), dbSNP rs371133296, ClinGen allele CA2112754.